The following is an entry in ClinVar:

NM_001321075.3(DLG4):c.1703G>A (p.Arg568Gln)

Gene: DLG4 (discs large MAGUK scaffold protein 4; minus strand). Cytogenetic location: 17p13.1.
Variant type: single nucleotide variant.
Coding change: c.1703G>A on transcript NM_001321075.3 (MANE Select); coding-DNA position 1703, G replaced by A.
Protein change: p.Arg568Gln; replaces arginine 568 with glutamine.
Molecular consequence: missense variant. On other transcripts: non-coding transcript variant (1).
Genome position (GRCh38, 1-based): chr17:7,193,108, C>T on the plus strand (G>A on the coding strand, the complement: DLG4 is on the minus strand). VCF-style: chr17-7193108-C-T. GRCh37 (hg19) VCF-style: chr17-7096427-C-T.
Other names: c.1694G>A, p.Arg565Gln (NM_001128827.4); c.1823G>A, p.Arg608Gln (NM_001321074.1); c.1523G>A, p.Arg508Gln (NM_001321076.3, NM_001321077.3); c.1832G>A, p.Arg611Gln (NM_001365.5); c.1622G>A, p.Arg541Gln (NM_001369566.3); short protein forms R508Q, R541Q, R565Q, R568Q, R608Q, R611Q.
Identifiers: ClinVar variation 3372827 (VCV003372827.3).

ClinVar aggregate classification (germline): Pathogenic (1 of 4 stars; one submission).

Submission:

GeneDx
Classification: Pathogenic. Last evaluated: 2026-10-26. Review status: criteria provided, single submitter. Criteria: GeneDx Variant Classification Process June 2021. Collection method: clinical testing. Allele origin: germline.
Comment: Not observed at significant frequency in large population cohorts (gnomAD); In silico analysis supports that this missense variant has a deleterious effect on protein structure/function; Has not been previously published as pathogenic or benign to our knowledge